The following is an entry in ClinVar:

ClinVar aggregate classification (germline): Conflicting classifications of pathogenicity. Review status: criteria provided, conflicting classifications (1 of 4 stars). 2 submissions from 2 submitters: Uncertain significance (1); Likely benign (1). Last evaluated 2024-10-20.

Conditions:
TTLL5-related disorder. Also called: TTLL5-related condition.

Allele frequency attached by ClinVar (database versions not stated): 1000 Genomes Project 30x 0.00016; 1000 Genomes Project 0.00020.
gnomAD v4.1: 137 of 1,614,202 alleles (0.0085%); highest among the groups gnomAD compares: South Asian, 0.14%; 1 homozygote.

Submissions (2):

PreventionGenetics, part of Exact Sciences
Classification: Likely benign for TTLL5-related condition. Last evaluated: 2024-10-20. Review status: criteria provided, single submitter. Criteria: ACMG Guidelines, 2015. Collection method: clinical testing. Allele origin: germline.
Comment: This variant is classified as likely benign based on ACMG/AMP sequence variant interpretation guidelines (Richards et al. 2015 PMID: 25741868, with internal and published modifications).

Labcorp Genetics (formerly Invitae), Labcorp
Classification: Uncertain significance. Last evaluated: 2022-03-10. Review status: criteria provided, single submitter. Criteria: Invitae Variant Classification Sherloc (09022015). Collection method: clinical testing. Allele origin: germline.
Comment: ClinVar contains an entry for this variant (Variation ID: 1040256). This variant has not been reported in the literature in individuals affected with TTLL5-related conditions. This variant is present in population databases (rs541400148, gnomAD 0.2%), including at least one homozygous and/or hemizygous individual. This sequence change replaces arginine, which is basic and polar, with glycine, which is neutral and non-polar, at codon 420 of the TTLL5 protein (p.Arg420Gly). Algorithms developed to predict the effect of missense changes on protein structure and function are either unavailable or do not agree on the potential impact of this missense change (SIFT: "Tolerated"; PolyPhen-2: "Possibly Damaging"; Align-GVGD: "Class C0"). In summary, the available evidence is currently insufficient to determine the role of this variant in disease. Therefore, it has been classified as a Variant of Uncertain Significance.

NM_015072.5(TTLL5):c.1258C>G (p.Arg420Gly)

Gene: TTLL5 (tubulin tyrosine ligase like 5; plus strand). Cytogenetic location: 14q24.3.
Variant type: single nucleotide variant.
Coding change: c.1258C>G on transcript NM_015072.5 (MANE Select); coding-DNA position 1258, C replaced by G.
Protein change: p.Arg420Gly; replaces arginine 420 with glycine.
Molecular consequence: missense variant.
Genome position (GRCh38, 1-based): chr14:75,735,266, C>G. VCF-style: chr14-75735266-C-G. GRCh37 (hg19) VCF-style: chr14-76201609-C-G.
Other names: c.1258C>G (NM_015072.4); short protein forms R420G.
Identifiers: ClinVar variation 1040256 (VCV001040256.8), dbSNP rs541400148, ClinGen allele CA7279301.